The following is an entry in ClinVar:

ClinVar aggregate classification (germline): Uncertain significance (1 of 4 stars; one submission).

Conditions:
Disseminated atypical mycobacterial infection. Identifiers: MedGen C0694566.

Submission:

Labcorp Genetics (formerly Invitae), Labcorp
Classification: Uncertain significance for Disseminated atypical mycobacterial infection. Last evaluated: 2024-09-29. Review status: criteria provided, single submitter. Criteria: Invitae Variant Classification Sherloc (09022015). Collection method: clinical testing. Allele origin: germline.
Comment: This sequence change replaces phenylalanine, which is neutral and non-polar, with valine, which is neutral and non-polar, at codon 412 of the IFNGR1 protein (p.Phe412Val). This variant is not present in population databases (gnomAD no frequency). This variant has not been reported in the literature in individuals affected with IFNGR1-related conditions. An algorithm developed to predict the effect of missense changes on protein structure and function (PolyPhen-2) suggests that this variant is likely to be tolerated. In summary, the available evidence is currently insufficient to determine the role of this variant in disease. Therefore, it has been classified as a Variant of Uncertain Significance.

NM_000416.3(IFNGR1):c.1234T>G (p.Phe412Val)

Gene: IFNGR1 (interferon gamma receptor 1; minus strand). Cytogenetic location: 6q23.3.
Variant type: single nucleotide variant.
Coding change: c.1234T>G on transcript NM_000416.3 (MANE Select); coding-DNA position 1234, T replaced by G.
Protein change: p.Phe412Val; replaces phenylalanine 412 with valine.
Molecular consequence: missense variant.
Genome position (GRCh38, 1-based): chr6:137,198,267, A>C on the plus strand (T>G on the coding strand, the complement: IFNGR1 is on the minus strand). VCF-style: chr6-137198267-A-C. GRCh37 (hg19) VCF-style: chr6-137519404-A-C.
Other names: c.1204T>G, p.Phe402Val (NM_001363526.1); c.1111T>G, p.Phe371Val (NM_001363527.1); short protein forms F402V, F412V, F371V.
Identifiers: ClinVar variation 3721807 (VCV003721807.2).